The following is an entry in ClinVar:

NM_000053.4(ATP7B):c.2191G>T (p.Val731Leu)

Gene: ATP7B (ATPase copper transporting beta; minus strand). Cytogenetic location: 13q14.3.
Variant type: single nucleotide variant.
Coding change: c.2191G>T on transcript NM_000053.4 (MANE Select); coding-DNA position 2191, G replaced by T.
Protein change: p.Val731Leu; replaces valine 731 with leucine.
Molecular consequence: missense variant. On other transcripts: intron variant (20).
Genome position (GRCh38, 1-based): chr13:51,958,475, C>A on the plus strand (G>T on the coding strand, the complement: ATP7B is on the minus strand). VCF-style: chr13-51958475-C-A. GRCh37 (hg19) VCF-style: chr13-52532611-C-A.
Other names: c.2191G>T, p.Val731Leu (NM_001406516.1, NM_001406519.1, NM_001406523.1 and 7 more transcripts); c.2095G>T, p.Val699Leu (NM_001406517.1, NM_001406518.1); c.1939G>T, p.Val647Leu (NM_001406531.1, NM_001406532.1, NM_001330579.2 and 1 more transcripts); c.1708-868G>T (NM_001406547.1, NM_001406545.1); c.1870-868G>T (NM_001005918.3, NM_001406546.1, NM_001406542.1 and 1 more transcripts); c.2122-868G>T (NM_001406534.1, NM_001406538.1, NM_001330578.2 and 2 more transcripts); c.2122-75G>T (NM_001406520.1, NM_001406537.1, NM_001406521.1 and 1 more transcripts); c.1774-868G>T (NM_001406544.1); and 8 more; short protein forms V588L, V615L, V620L, V647L, V699L, V720L, V731L.
Identifiers: ClinVar variation 3069556 (VCV003069556.4), dbSNP rs762746959, ClinGen allele CA388022857.

ClinVar aggregate classification (germline): Uncertain significance. Review status: criteria provided, multiple submitters, no conflicts (2 of 4 stars). 4 submissions from 4 submitters: Uncertain significance (4). Last evaluated 2026-08-06.

Conditions:
Wilson disease (WND). Also called: Wilson's disease. Identifiers: Orphanet 905, MedGen C0019202, MONDO:0010200, OMIM 277900. Disease mechanism: loss of function.

gnomAD v4.1: 37 of 1,614,060 alleles (0.0023%); highest among the groups gnomAD compares: Non-Finnish European, 0.0029%; no homozygotes.

Submissions (4):

OLLIN Analises Genomicas, OLLIN
Classification: Uncertain significance for Wilson disease. Last evaluated: 2026-08-06. Review status: criteria provided, single submitter. Criteria: ACMG Guidelines 2015 PMID 25741868. Collection method: clinical testing. Allele origin: germline. Inheritance: Autosomal recessive inheritance.
Comment: This missense variant, located in exon 8 (of 21), has been reported in ClinVar (accession VCV000289085.8) and in gnomAD with an allele frequency of 0.0023%. However, to our knowledge, it has not been reported in the scientific literature. In silico analysis predicts that this variant has a deleterious effect. This gene is constrained for missense variation. According to the currently available evidence, this variant has been classified as uncertain significance (PM2_P, PP2, PP3_M).

Fulgent Genetics
Classification: Uncertain significance for Wilson disease. Last evaluated: 2024-05-28. Review status: criteria provided, single submitter. Criteria: ACMG Guidelines, 2015. Collection method: clinical testing. Allele origin: germline.

All of Us Research Program, National Institutes of Health
Classification: Uncertain significance for Wilson disease. Last evaluated: 2024-02-05. Review status: criteria provided, single submitter. Criteria: ACMG Guidelines, 2015. Collection method: clinical testing. Allele origin: germline. Inheritance: Autosomal recessive inheritance. Observed: 2 variant alleles, 2 heterozygotes.
Comment: This missense variant replaces valine with leucine at codon 731 of the ATP7B protein. Computational prediction suggests that this variant may have deleterious impact on protein structure and function (internally defined REVEL score threshold >= 0.7, PMID: 27666373). To our knowledge, functional studies have not been reported for this variant. This variant has not been reported in individuals affected with ATP7B-related disorders in the literature. This variant has been identified in 2/249590 chromosomes in the general population by the Genome Aggregation Database (gnomAD). The available evidence is insufficient to determine the role of this variant in disease conclusively. Therefore, this variant is classified as a Variant of Uncertain Significance.

This study involves interpretation of variants in research participants for the purpose of population health screening. Participant phenotype was not available at the time of variant classification. Additional details can be found in publication PMID: 35346344, PMCID: PMC8962531

Blueprint Genetics
Classification: Uncertain significance. Last evaluated: 2019-12-16. Review status: criteria provided, single submitter. Criteria: ACMG Guidelines, 2015. Collection method: clinical testing. Allele origin: germline.